The following is an entry in ClinVar:

NM_000059.4(BRCA2):c.1928T>G (p.Val643Gly)

Gene: BRCA2 (BRCA2 DNA repair associated; plus strand). Cytogenetic location: 13q13.1.
Variant type: single nucleotide variant.
Coding change: c.1928T>G on transcript NM_000059.4 (MANE Select); coding-DNA position 1928, T replaced by G.
Protein change: p.Val643Gly; replaces valine 643 with glycine.
Molecular consequence: missense variant.
Genome position (GRCh38, 1-based): chr13:32,336,283, T>G. VCF-style: chr13-32336283-T-G. GRCh37 (hg19) VCF-style: chr13-32910420-T-G.
Other names: short protein forms V643G.
Identifiers: ClinVar variation 1692107 (VCV001692107.8), dbSNP rs922597695, ClinGen allele CA247500361.
Genomic context (GRCh38, chr13:32,336,283, plus strand): 5'-TGATGGTACTTTAATTTTGTCACTTTGTGTTTTTATGTTTAGGTTTATTGCATTCTTCTG[T>G]GAAAAGAAGCTGTTCACAGAATGATTCTGAAGAACCAACTTTGTCCTTAACTAGCTCTTT-3'
Protein context (NP_000050.3, residues 633-653): NADSGLLHSS[Val643Gly]KRSCSQNDSE

ClinVar aggregate classification (germline): Conflicting classifications of pathogenicity. Review status: criteria provided, conflicting classifications (1 of 4 stars). 4 submissions from 4 submitters: Uncertain significance (3); Likely benign (1). Last evaluated 2024-01-27.

Conditions:
Hereditary cancer-predisposing syndrome. Also called: Hereditary Cancer Syndrome; Hereditary neoplastic syndrome; Neoplastic Syndromes, Hereditary; Tumor predisposition. Identifiers: Orphanet 140162, MedGen C0027672, MeSH D009386, MONDO:0015356.
Hereditary breast ovarian cancer syndrome. Also called: Hereditary breast and ovarian cancer syndrome; Hereditary breast and ovarian cancer syndrome (HBOC); Breast and ovarian cancer; Hereditary breast and ovarian cancer; Hereditary breast and/or ovarian cancer syndrome; BRCA1- and BRCA2-Associated Hereditary Breast and Ovarian Cancer. Identifiers: Orphanet 145, MedGen C0677776, MeSH D061325, MONDO:0003582. Disease mechanism: loss of function.

Submissions (4):

Labcorp Genetics (formerly Invitae), Labcorp
Classification: Uncertain significance for Hereditary breast ovarian cancer syndrome. Last evaluated: 2024-01-27. Review status: criteria provided, single submitter. Criteria: Invitae Variant Classification Sherloc (09022015). Collection method: clinical testing. Allele origin: germline.
Comment: This sequence change replaces valine, which is neutral and non-polar, with glycine, which is neutral and non-polar, at codon 643 of the BRCA2 protein (p.Val643Gly). This variant is not present in population databases (gnomAD no frequency). This variant has not been reported in the literature in individuals affected with BRCA2-related conditions. ClinVar contains an entry for this variant (Variation ID: 1692107). Advanced modeling of protein sequence and biophysical properties (such as structural, functional, and spatial information, amino acid conservation, physicochemical variation, residue mobility, and thermodynamic stability) performed at Invitae indicates that this missense variant is not expected to disrupt BRCA2 protein function with a negative predictive value of 95%. In summary, the available evidence is currently insufficient to determine the role of this variant in disease. Therefore, it has been classified as a Variant of Uncertain Significance.

University of Washington Department of Laboratory Medicine, University of Washington
Classification: Likely benign for Hereditary cancer-predisposing syndrome. Last evaluated: 2023-03-23. Review status: criteria provided, single submitter. Criteria: Dines et al. (Genet Med. 2020). Collection method: curation. Allele origin: germline.
Comment: Missense variant in a coldspot region where missense variants are very unlikely to be pathogenic (PMID:31911673).

BRCA2 exon 11 coldspot. Reclassification based on statistical prior probability.

Sema4
Classification: Uncertain significance for Hereditary cancer-predisposing syndrome. Last evaluated: 2021-11-04. Review status: criteria provided, single submitter. Criteria: Sema4 Curation Guidelines. Collection method: curation. Allele origin: germline.
Comment: The BRCA2 c.1928T>G (p.V643G) variant has not been reported in the literature to our knowledge. It was not observed in the large and broad cohorts of the Genome Aggregation Database (PMID: 32461654), and has not been reported in ClinVar. Functional studies have not been performed, and in silico predictions of the variant's effect on protein function are inconclusive. The evidence is insufficient to meet ACMG/AMP criteria for classifying the variant as benign or pathogenic. Thus, the clinical significance of this variant is currently uncertain.

Ambry Genetics
Classification: Uncertain significance for Hereditary cancer-predisposing syndrome. Last evaluated: 2020-12-30. Review status: criteria provided, single submitter. Criteria: Ambry Variant Classification Scheme 2023. Collection method: clinical testing. Allele origin: germline.
Comment: The p.V643G variant (also known as c.1928T>G), located in coding exon 10 of the BRCA2 gene, results from a T to G substitution at nucleotide position 1928. The valine at codon 643 is replaced by glycine, an amino acid with dissimilar properties. This amino acid position is not well conserved in available vertebrate species. In addition, this alteration is predicted to be tolerated by in silico analysis. Since supporting evidence is limited at this time, the clinical significance of this alteration remains unclear.